The following is an entry in ClinVar:

NM_006662.3(SRCAP):c.7255C>T (p.Gln2419Ter)

Gene: SRCAP (Snf2 related CREBBP activator protein; plus strand). Cytogenetic location: 16p11.2.
Variant type: single nucleotide variant.
Coding change: c.7255C>T on transcript NM_006662.3 (MANE Select); coding-DNA position 7255, C replaced by T.
Protein change: p.Gln2419Ter; replaces glutamine 2419 with a stop codon.
Molecular consequence: nonsense.
Genome position (GRCh38, 1-based): chr16:30,737,295, C>T. VCF-style: chr16-30737295-C-T. GRCh37 (hg19) VCF-style: chr16-30748616-C-T.
Other names: short protein forms Q2419*.
Identifiers: ClinVar variation 504077 (VCV000504077.4), dbSNP rs1555465928, ClinGen allele CA395632437.

ClinVar aggregate classification (germline): Pathogenic. Review status: criteria provided, multiple submitters, no conflicts (2 of 4 stars). 2 submissions from 2 submitters: Pathogenic (2). Last evaluated 2025-10-30.

Conditions:
Floating-Harbor syndrome (FLHS). Also called: SRCAP-Related Floating-Harbor Syndrome; Short stature with delayed bone age, expressive language delay, a triangular face with a prominent nose and deep-set eyes; Pelletier-Leisti syndrome. Identifiers: Orphanet 2044, MedGen C0729582, MONDO:0007621, OMIM 136140.

Allele frequency attached by ClinVar (database versions not stated): gnomAD exomes below 0.00001.
gnomAD v4.1: 1 of 1,614,056 alleles (0.000062%); highest among the groups gnomAD compares: Non-Finnish European, 0.000085%; no homozygotes.

Submissions (2):

Department of Endocrinology, Genetics and Metabolism, Beijing Children’s Hospital, Capital Medical University
Classification: Pathogenic for Floating-Harbor syndrome. Last evaluated: 2025-10-30. Review status: criteria provided, single submitter. Criteria: ACMG Guidelines, 2015. Collection method: research. Allele origin: germline. Affected: yes. Observed: 1 variant allele.
Comment: PVS1;PS2;PM2

GeneDx
Classification: Pathogenic. Last evaluated: 2023-12-08. Review status: criteria provided, single submitter. Criteria: GeneDx Variant Classification Process June 2021. Collection method: clinical testing. Allele origin: germline. Affected: yes.
Comment: Nonsense variant predicted to result in protein truncation, as the last 812 amino acids are lost, and other loss-of-function variants have been reported downstream in HGMD; Not observed at significant frequency in large population cohorts (gnomAD); Has not been previously published as pathogenic or benign to our knowledge